The following is an entry in ClinVar:

ClinVar aggregate classification (germline): Likely benign (1 of 4 stars; one submission).

Allele frequency attached by ClinVar (database versions not stated): 1000 Genomes Project 30x 0.00265; 1000 Genomes Project 0.00319; gnomAD 0.00510; TOPMed 0.00560; ExAC 0.00599; ESP Exome Variant Server 0.00607.
gnomAD v4.1: 12,135 of 1,613,990 alleles (0.75%); highest among the groups gnomAD compares: Middle Eastern, 1.5%; 63 homozygotes.

Submission:

CeGaT Center for Human Genetics Tuebingen
Classification: Likely benign. Last evaluated: 2023-04-01. Review status: criteria provided, single submitter. Criteria: CeGaT Center For Human Genetics Tuebingen Variant Classification Criteria Version 2. Collection method: clinical testing. Allele origin: germline. Affected: yes. Observed: 2 variant alleles.
Comment: ARHGAP18: BP4, BP7, BS2

NM_033515.3(ARHGAP18):c.462G>A (p.Thr154=)

Gene: ARHGAP18 (Rho GTPase activating protein 18; minus strand). Cytogenetic location: 6q22.33.
Variant type: single nucleotide variant.
Coding change: c.462G>A on transcript NM_033515.3 (MANE Select); coding-DNA position 462, G replaced by A.
Protein change: p.Thr154=; no amino-acid change (threonine 154 retained).
Molecular consequence: synonymous variant.
Genome position (GRCh38, 1-based): chr6:129,638,484, C>T on the plus strand (G>A on the coding strand, the complement: ARHGAP18 is on the minus strand). VCF-style: chr6-129638484-C-T. GRCh37 (hg19) VCF-style: chr6-129959629-C-T.
Identifiers: ClinVar variation 2656909 (VCV002656909.24), dbSNP rs34022250, ClinGen allele CA3995678.